The following is an entry in ClinVar:

NM_007363.5(NONO):c.189A>C (p.Arg63Ser)

Gene: NONO (non-POU domain containing octamer binding; plus strand). Cytogenetic location: Xq13.1.
Variant type: single nucleotide variant.
Coding change: c.189A>C on transcript NM_007363.5 (MANE Select); coding-DNA position 189, A replaced by C.
Protein change: p.Arg63Ser; replaces arginine 63 with serine.
Molecular consequence: missense variant. On other transcripts: 5 prime UTR variant (1).
Genome position (GRCh38, 1-based): chrX:71,291,813, A>C. VCF-style: chrX-71291813-A-C. GRCh37 (hg19) VCF-style: chrX-70511663-A-C.
Other names: c.189A>C, p.Arg63Ser (NM_001145408.2, NM_001145409.2); c.-79A>C (NM_001145410.2); short protein forms R63S.
Identifiers: ClinVar variation 5018288 (VCV005018288.1).

ClinVar aggregate classification (germline): Uncertain significance (1 of 4 stars; one submission).

Submission:

GeneDx
Classification: Uncertain significance. Last evaluated: 2026-04-07. Review status: criteria provided, single submitter. Criteria: GeneDx Variant Classification Process June 2021. Collection method: clinical testing. Allele origin: germline.
Comment: Not observed at significant frequency in large population cohorts (gnomAD); In silico analysis supports that this missense variant has a deleterious effect on protein structure/function; Has not been previously published as pathogenic or benign to our knowledge